The following is an entry in ClinVar:

ClinVar aggregate classification (germline): Conflicting classifications of pathogenicity. Review status: criteria provided, conflicting classifications (1 of 4 stars). 3 submissions from 3 submitters: Uncertain significance (1); Benign (2). Last evaluated 2025-07-31.

Allele frequency attached by ClinVar (database versions not stated): ESP Exome Variant Server 0.00033.

Submissions (3):

Ambry Genetics
Classification: Uncertain significance. Last evaluated: 2025-07-31. Review status: criteria provided, single submitter. Criteria: Ambry Variant Classification Scheme 2023. Collection method: clinical testing. Allele origin: germline.

CeGaT Center for Human Genetics Tuebingen
Classification: Benign. Last evaluated: 2022-06-01. Review status: criteria provided, single submitter. Criteria: CeGaT Center For Human Genetics Tuebingen Variant Classification Criteria Version 2. Collection method: clinical testing. Allele origin: germline. Affected: yes. Observed: 1 variant allele.
Comment: AHNAK2: BS1, BS2

Breakthrough Genomics
Classification: Benign. Review status: criteria provided, single submitter. Criteria: ACMG Guidelines, 2015. Collection method: not provided. Allele origin: germline. Inheritance: Unknown mechanism. Affected: yes.

NM_138420.4(AHNAK2):c.3428C>G (p.Ala1143Gly)

Gene: AHNAK2 (AHNAK nucleoprotein 2; minus strand). Cytogenetic location: 14q32.33.
Variant type: single nucleotide variant.
Coding change: c.3428C>G on transcript NM_138420.4 (MANE Select); coding-DNA position 3428, C replaced by G.
Protein change: p.Ala1143Gly; replaces alanine 1143 with glycine.
Molecular consequence: missense variant.
Genome position (GRCh38, 1-based): chr14:104,952,023, G>C on the plus strand (C>G on the coding strand, the complement: AHNAK2 is on the minus strand). VCF-style: chr14-104952023-G-C. GRCh37 (hg19) VCF-style: chr14-105418360-G-C.
Other names: c.3128C>G, p.Ala1043Gly (NM_001350929.2); c.3428C>G (NM_138420.2); short protein forms A1043G, A1143G.
Identifiers: ClinVar variation 2644851 (VCV002644851.27), dbSNP rs199546516, ClinGen allele CA7383039.